The following is an entry in ClinVar:

ClinVar aggregate classification (germline): Likely benign. Review status: criteria provided, multiple submitters, no conflicts (2 of 4 stars). 4 submissions from 4 submitters: Likely benign (4). Last evaluated 2024-11-20.

Allele frequency attached by ClinVar (database versions not stated): ExAC 0.00012; TOPMed 0.00020; gnomAD 0.00032 and 0.00035; ESP Exome Variant Server 0.00038.
gnomAD v4.1: 108 of 1,613,982 alleles (0.0067%); highest among the groups gnomAD compares: Admixed American, 0.11%; no homozygotes.

Submissions (4):

Blueprint Genetics
Classification: Likely benign. Last evaluated: 2024-11-20. Review status: criteria provided, single submitter. Criteria: ACMG Guidelines, 2015. Collection method: clinical testing. Allele origin: germline.

GeneDx
Classification: Likely benign. Last evaluated: 2021-04-28. Review status: criteria provided, single submitter. Criteria: GeneDx Variant Classification Process June 2021. Collection method: clinical testing. Allele origin: germline. Affected: yes.

Labcorp Genetics (formerly Invitae), Labcorp
Classification: Likely benign. Last evaluated: 2018-05-18. Review status: criteria provided, single submitter. Criteria: Invitae Variant Classification Sherloc (09022015). Collection method: clinical testing. Allele origin: germline.

Laboratory for Molecular Medicine, Mass General Brigham Personalized Medicine
Classification: Likely benign. Last evaluated: 2012-04-30. Review status: criteria provided, single submitter. Criteria: LMM Criteria. Collection method: clinical testing. Allele origin: germline. Observed: 1 variant allele.
Comment: Pro6Pro in Exon 02 of MYO6: This variant is not expected to have clinical signif icance because it does not alter an amino acid residue, is not located within th e splice consensus sequence, and has been identified in 0.1% (2/3738) of African American chromosomes from a broad population by the NHLBI Exome Sequencing Proj ect (dbSNP rs138024490).

NM_004999.4(MYO6):c.18C>T (p.Pro6=)

Gene: MYO6 (myosin VI; plus strand). Cytogenetic location: 6q14.1.
Variant type: single nucleotide variant.
Coding change: c.18C>T on transcript NM_004999.4 (MANE Select); coding-DNA position 18, C replaced by T.
Protein change: p.Pro6=; no amino-acid change (proline 6 retained).
Molecular consequence: synonymous variant. On other transcripts: non-coding transcript variant (2).
Genome position (GRCh38, 1-based): chr6:75,817,565, C>T. VCF-style: chr6-75817565-C-T. GRCh37 (hg19) VCF-style: chr6-76527282-C-T.
Other names: c.18C>T, p.Pro6= (NM_001300899.2, NM_001368136.1, NM_001368137.1 and 5 more transcripts).
Identifiers: ClinVar variation 227674 (VCV000227674.10), dbSNP rs138024490, ClinGen allele CA3896696.